The following is an entry in ClinVar:

ClinVar aggregate classification (germline): Uncertain significance. Review status: criteria provided, multiple submitters, no conflicts (2 of 4 stars). 2 submissions from 2 submitters: Uncertain significance (2). Last evaluated 2025-01-02.

Conditions:
Inborn genetic diseases. Identifiers: MedGen C0950123, MeSH D030342.

Allele frequency attached by ClinVar (database versions not stated): ExAC 0.00002; gnomAD exomes below 0.00001; 1000 Genomes Project 30x 0.00016; gnomAD 0.00001; 1000 Genomes Project 0.00020.

Submissions (2):

GeneDx
Classification: Uncertain significance. Last evaluated: 2025-01-02. Review status: criteria provided, single submitter. Criteria: GeneDx Variant Classification Process June 2021. Collection method: clinical testing. Allele origin: germline. Affected: yes.
Comment: In silico analysis supports that this missense variant has a deleterious effect on protein structure/function; Has not been previously published as pathogenic or benign to our knowledge

Ambry Genetics
Classification: Uncertain significance for Inborn genetic diseases. Last evaluated: 2022-09-15. Review status: criteria provided, single submitter. Criteria: Ambry Variant Classification Scheme 2023. Collection method: clinical testing. Allele origin: germline.

NM_000405.5(GM2A):c.503A>G (p.Tyr168Cys)

Gene: GM2A (ganglioside GM2 activator; plus strand). Cytogenetic location: 5q33.1.
Variant type: single nucleotide variant.
Coding change: c.503A>G on transcript NM_000405.5 (MANE Select); coding-DNA position 503, A replaced by G.
Protein change: p.Tyr168Cys; replaces tyrosine 168 with cysteine.
Molecular consequence: missense variant. On other transcripts: intron variant (1).
Genome position (GRCh38, 1-based): chr5:151,267,372, A>G. VCF-style: chr5-151267372-A-G. GRCh37 (hg19) VCF-style: chr5-150646933-A-G.
Other names: c.413-120A>G (NM_001167607.3); short protein forms Y168C.
Identifiers: ClinVar variation 2305033 (VCV002305033.3), dbSNP rs564534389, ClinGen allele CA3517983.